The following is an entry in ClinVar:

ClinVar aggregate classification (germline): Uncertain significance. Review status: criteria provided, multiple submitters, no conflicts (2 of 4 stars). 3 submissions from 3 submitters: Uncertain significance (3). Last evaluated 2025-02-26.

Conditions:
Renal carnitine transport defect (CDSP). Also called: Systemic primary carnitine deficiency; Carnitine transporter deficiency; Carnitine Deficiency, Systemic; Systemic primary carnitine deficiency disease; Primary carnitine deficiency; CARNITINE DEFICIENCY, SYSTEMIC, DUE TO DEFECT IN RENAL REABSORPTION OF CARNITINE. Identifiers: Orphanet 158, MedGen C0342788, MONDO:0008919, OMIM 212140.
Inborn genetic diseases. Identifiers: MedGen C0950123, MeSH D030342.

Allele frequency attached by ClinVar (database versions not stated): ExAC 0.00001; gnomAD exomes 0.00001.

Submissions (3):

Ambry Genetics
Classification: Uncertain significance for Inborn genetic diseases. Last evaluated: 2025-02-26. Review status: criteria provided, single submitter. Criteria: Ambry Variant Classification Scheme 2023. Collection method: clinical testing. Allele origin: germline.

Women's Health and Genetics/Laboratory Corporation of America, LabCorp
Classification: Uncertain significance. Last evaluated: 2022-02-18. Review status: criteria provided, single submitter. Criteria: LabCorp Variant Classification Summary - May 2015. Collection method: clinical testing. Allele origin: germline.

Labcorp Genetics (formerly Invitae), Labcorp
Classification: Uncertain significance for Renal carnitine transport defect. Last evaluated: 2022-02-12. Review status: criteria provided, single submitter. Criteria: Invitae Variant Classification Sherloc (09022015). Collection method: clinical testing. Allele origin: germline.
Comment: This sequence change replaces threonine, which is neutral and polar, with serine, which is neutral and polar, at codon 311 of the SLC22A5 protein (p.Thr311Ser). This variant is present in population databases (rs770408585, gnomAD 0.003%). This variant has not been reported in the literature in individuals affected with SLC22A5-related conditions. Advanced modeling of protein sequence and biophysical properties (such as structural, functional, and spatial information, amino acid conservation, physicochemical variation, residue mobility, and thermodynamic stability) performed at Invitae indicates that this missense variant is not expected to disrupt SLC22A5 protein function. Algorithms developed to predict the effect of sequence changes on RNA splicing suggest that this variant may create or strengthen a splice site. In summary, the available evidence is currently insufficient to determine the role of this variant in disease. Therefore, it has been classified as a Variant of Uncertain Significance.

NM_003060.4(SLC22A5):c.932C>G (p.Thr311Ser)

Gene: SLC22A5 (solute carrier family 22 member 5; plus strand). Cytogenetic location: 5q31.1.
Variant type: single nucleotide variant.
Coding change: c.932C>G on transcript NM_003060.4 (MANE Select); coding-DNA position 932, C replaced by G.
Protein change: p.Thr311Ser; replaces threonine 311 with serine.
Molecular consequence: missense variant.
Genome position (GRCh38, 1-based): chr5:132,387,132, C>G. VCF-style: chr5-132387132-C-G. GRCh37 (hg19) VCF-style: chr5-131722824-C-G.
Other names: c.1004C>G, p.Thr335Ser (NM_001308122.2); short protein forms T311S, T335S.
Identifiers: ClinVar variation 1343563 (VCV001343563.4), dbSNP rs770408585, ClinGen allele CA3404010.